The following is an entry in ClinVar:

ClinVar aggregate classification (germline): Benign (1 of 4 stars; one submission).

Conditions:
Familial hypokalemia-hypomagnesemia (GTLMNS). Also called: gitelman syndrome; HYPOMAGNESEMIA-HYPOKALEMIA, PRIMARY RENOTUBULAR, WITH HYPOCALCIURIA; POTASSIUM AND MAGNESIUM DEPLETION. Identifiers: Orphanet 358, MedGen C0268450, MONDO:0009904, OMIM 263800.

Allele frequency attached by ClinVar (database versions not stated): gnomAD 0.01329 and 0.01353; TOPMed 0.01355; 1000 Genomes Project 0.02356; 1000 Genomes Project 30x 0.02405.

Submission:

Illumina Laboratory Services, Illumina
Classification: Benign for Familial hypokalemia-hypomagnesemia. Last evaluated: 2018-01-12. Review status: criteria provided, single submitter. Criteria: ICSL Variant Classification Criteria 13 December 2019. Collection method: clinical testing. Allele origin: germline.
Comment: This variant was observed in the ICSL laboratory as part of a predisposition screen in an ostensibly healthy population. It had not been previously curated by ICSL or reported in the Human Gene Mutation Database (HGMD: prior to June 1st, 2018), and was therefore a candidate for classification through an automated scoring system. Utilizing variant allele frequency, disease prevalence and penetrance estimates, and inheritance mode, an automated score was calculated to assess if this variant is too frequent to cause the disease. Based on the score and internal cut-off values, a variant classified as benign is not then subjected to further curation. The score for this variant resulted in a classification of benign for this disease.

NM_001126108.2(SLC12A3):c.*2068C>G

Gene: SLC12A3 (solute carrier family 12 member 3; plus strand). Cytogenetic location: 16q13.
Variant type: single nucleotide variant.
Coding change: c.*2068C>G on transcript NM_001126108.2 (MANE Select); 2068 bases downstream of the stop codon, C replaced by G.
Molecular consequence: 3 prime UTR variant.
Genome position (GRCh38, 1-based): chr16:56,915,473, C>G. VCF-style: chr16-56915473-C-G. GRCh37 (hg19) VCF-style: chr16-56949385-C-G.
Other names: c.*2068C>G (NM_000339.3, NM_001126107.2).
Identifiers: ClinVar variation 319961 (VCV000319961.5), dbSNP rs142540870, ClinGen allele CA10648659.